The following is an entry in ClinVar:

ClinVar aggregate classification (germline): Uncertain significance. Review status: criteria provided, multiple submitters, no conflicts (2 of 4 stars). 2 submissions from 2 submitters: Uncertain significance (2). Last evaluated 2025-10-19.

Conditions:
Candidiasis, familial, 9 (CANDF9). Identifiers: Orphanet 1334, MedGen C4225324, MONDO:0014642, OMIM 616445.

Allele frequency attached by ClinVar (database versions not stated): gnomAD exomes below 0.00001; TOPMed below 0.00001; gnomAD 0.00001.
gnomAD v4.1: 8 of 1,613,568 alleles (0.0005%); highest among the groups gnomAD compares: African/African-American, 0.0013%; no homozygotes.

Submissions (2):

Labcorp Genetics (formerly Invitae), Labcorp
Classification: Uncertain significance for Candidiasis, familial, 9. Last evaluated: 2025-10-19. Review status: criteria provided, single submitter. Criteria: Invitae Variant Classification Sherloc (09022015). Collection method: clinical testing. Allele origin: germline.
Comment: This sequence change replaces valine, which is neutral and non-polar, with glycine, which is neutral and non-polar, at codon 142 of the IL17RC protein (p.Val142Gly). This variant is present in population databases (no rsID available, gnomAD 0.004%). This variant has not been reported in the literature in individuals affected with IL17RC-related conditions. ClinVar contains an entry for this variant (Variation ID: 1302454). An algorithm developed to predict the effect of missense changes on protein structure and function (PolyPhen-2) suggests that this variant is likely to be disruptive. In summary, the available evidence is currently insufficient to determine the role of this variant in disease. Therefore, it has been classified as a Variant of Uncertain Significance.

GeneDx
Classification: Uncertain significance. Last evaluated: 2021-07-24. Review status: criteria provided, single submitter. Criteria: GeneDx Variant Classification Process June 2021. Collection method: clinical testing. Allele origin: germline. Affected: yes.
Comment: In silico analysis supports that this missense variant has a deleterious effect on protein structure/function; Has not been previously published as pathogenic or benign to our knowledge

NM_153460.4(IL17RC):c.212T>G (p.Val71Gly)

Gene: IL17RC (interleukin 17 receptor C; plus strand). Cytogenetic location: 3p25.3.
Variant type: single nucleotide variant.
Coding change: c.212T>G on transcript NM_153460.4 (MANE Select); coding-DNA position 212, T replaced by G.
Protein change: p.Val71Gly; replaces valine 71 with glycine.
Molecular consequence: missense variant. On other transcripts: non-coding transcript variant (1).
Genome position (GRCh38, 1-based): chr3:9,918,007, T>G. VCF-style: chr3-9918007-T-G. GRCh37 (hg19) VCF-style: chr3-9959691-T-G.
Other names: c.212T>G, p.Val71Gly (NM_001203263.2, NM_001203264.2, NM_001203265.2 and 4 more transcripts); c.425T>G, p.Val142Gly (NM_153461.4); short protein forms V142G, V71G.
Identifiers: ClinVar variation 1302454 (VCV001302454.3), dbSNP rs1480357681, ClinGen allele CA351755175.
Genomic context (GRCh38, chr3:9,918,007, plus strand): 5'-GGGACATCGTGCCTGCTCCGGGCCCCGTGCTGGCGCCTACGCACCTGCAGACAGAGCTGG[T>G]GCTGAGGTGCCAGAAGGAGACCGACTGTGACCTCTGTCTGCGTGTGGCTGTCCACTTGGC-3'
Protein context (NP_703190.2, residues 61-81): LAPTHLQTEL[Val71Gly]LRCQKETDCD